The following is an entry in ClinVar:

NC_000007.13:g.(?_81964431)_(82476583_?)dup

Genes: CACNA2D1 (calcium voltage-gated channel auxiliary subunit alpha2delta 1; minus strand), PCLO (piccolo presynaptic cytomatrix protein; minus strand). Cytogenetic location: 7q21.11.
Variant type: Duplication.
Identifiers: ClinVar variation 2427092 (VCV002427092.3).

ClinVar aggregate classification (germline): Uncertain significance (1 of 4 stars; one submission).

Submission:

Labcorp Genetics (formerly Invitae), Labcorp
Classification: Uncertain significance. Last evaluated: 2022-07-21. Review status: criteria provided, single submitter. Criteria: Invitae Variant Classification Sherloc (09022015). Collection method: clinical testing. Allele origin: germline.
Comment: This variant results in a copy number gain of the genomic region encompassing exon(s) 11-25 of the PCLO gene. This region includes the termination codon of the gene. This copy number gain extends beyond the assayed region for this gene and therefore may encompass additional genes. As the precise location of this event is unknown, it may be in tandem or it may be located elsewhere in the genome. This variant has not been reported in the literature in individuals affected with PCLO-related conditions. Experimental studies and prediction algorithms are not available or were not evaluated, and the functional significance of this variant is currently unknown. In summary, the available evidence is currently insufficient to determine the role of this variant in disease. Therefore, it has been classified as a Variant of Uncertain Significance.